The following is an entry in ClinVar:

ClinVar aggregate classification (germline): Uncertain significance. Review status: criteria provided, multiple submitters, no conflicts (2 of 4 stars). 3 submissions from 3 submitters: Uncertain significance (2). 1 of the submissions does not count toward it. Last evaluated 2026-07-09.

Conditions:
LMNA-related disorder. Also called: LMNA-related disorders; LMNA-related condition; LMNA-related disease. Identifiers: MedGen CN380145.
Cardiovascular phenotype. Identifiers: MedGen CN230736.
Charcot-Marie-Tooth disease type 2. Also called: Charcot-Marie-Tooth type 2. Identifiers: Orphanet 64746, MedGen C0270914, MONDO:0018993.

Allele frequency attached by ClinVar (database versions not stated): gnomAD exomes below 0.00001; TOPMed 0.00001.
gnomAD v4.1: 2 of 1,605,420 alleles (0.00012%); highest among the groups gnomAD compares: Non-Finnish European, 0.00017%; no homozygotes.

Submissions (3):

Ambry Genetics
Classification: Uncertain significance for Cardiovascular phenotype. Last evaluated: 2026-07-09. Review status: criteria provided, single submitter. Criteria: Ambry Variant Classification Scheme 2023. Collection method: clinical testing. Allele origin: germline.
Comment: The p.A118S variant (also known as c.352G>T), located in coding exon 1 of the LMNA gene, results from a G to T substitution at nucleotide position 352. The alanine at codon 118 is replaced by serine, an amino acid with similar properties. This amino acid position is conserved. In addition, the in silico prediction for this alteration is inconclusive. Based on the available evidence, the clinical significance of this variant remains unclear.

Labcorp Genetics (formerly Invitae), Labcorp
Classification: Uncertain significance for Charcot-Marie-Tooth disease type 2. Last evaluated: 2024-11-21. Review status: criteria provided, single submitter. Criteria: Invitae Variant Classification Sherloc (09022015). Collection method: clinical testing. Allele origin: germline.
Comment: This sequence change replaces alanine, which is neutral and non-polar, with serine, which is neutral and polar, at codon 118 of the LMNA protein (p.Ala118Ser). This variant is not present in population databases (gnomAD no frequency). This variant has not been reported in the literature in individuals affected with LMNA-related conditions. ClinVar contains an entry for this variant (Variation ID: 408989). Invitae Evidence Modeling of protein sequence and biophysical properties (such as structural, functional, and spatial information, amino acid conservation, physicochemical variation, residue mobility, and thermodynamic stability) indicates that this missense variant is expected to disrupt LMNA protein function with a positive predictive value of 95%. In summary, the available evidence is currently insufficient to determine the role of this variant in disease. Therefore, it has been classified as a Variant of Uncertain Significance.

PreventionGenetics, part of Exact Sciences
Classification: Uncertain significance for LMNA-related condition. Last evaluated: 2024-05-24. Review status: no assertion criteria provided. Collection method: clinical testing. Allele origin: germline. Not counted in ClinVar's aggregate classification.
Comment: The LMNA c.352G>T variant is predicted to result in the amino acid substitution p.Ala118Ser. To our knowledge, this variant has not been reported in the literature or in a large population database, indicating this variant is rare. At this time, the clinical significance of this variant is uncertain due to the absence of conclusive functional and genetic evidence.

NM_170707.4(LMNA):c.352G>T (p.Ala118Ser)

Gene: LMNA (lamin A/C; plus strand). Cytogenetic location: 1q22.
Variant type: single nucleotide variant.
Coding change: c.352G>T on transcript NM_170707.4 (MANE Select); coding-DNA position 352, G replaced by T.
Protein change: p.Ala118Ser; replaces alanine 118 with serine.
Molecular consequence: missense variant.
Genome position (GRCh38, 1-based): chr1:156,115,270, G>T. VCF-style: chr1-156115270-G-T. GRCh37 (hg19) VCF-style: chr1-156085061-G-T.
Other names: c.352G>T (NM_170707.2); c.352G>T, p.Ala118Ser (NM_001282625.2, NM_001282626.2, NM_005572.4 and 1 more transcripts); short protein forms A118S.
Identifiers: ClinVar variation 408989 (VCV000408989.10), dbSNP rs987482450, ClinGen allele CA16609876.